The following is an entry in ClinVar:

ClinVar aggregate classification (germline): Uncertain significance. Review status: criteria provided, multiple submitters, no conflicts (2 of 4 stars). 3 submissions from 3 submitters: Uncertain significance (3). Last evaluated 2026-07-08.

Conditions:
Delpire-McNeill syndrome. Also called: SLC12A2-related autosomal dominant infantile-developmental delay-intellectual disability-sensorineural deafness syndrome. Identifiers: Orphanet 633024, MedGen C5436771, MONDO:0033667, OMIM 619083.
Hearing loss, autosomal dominant 78. Also called: DEAFNESS, AUTOSOMAL DOMINANT 78. Identifiers: MedGen C5436768, MONDO:0033665, OMIM 619081.
Kilquist syndrome (KILQS). Also called: SLC12A2-related autosomal recessive neonatal-developmental delay-intellectual disability-feeding difficulty-sensorineural deafness syndrome. Identifiers: Orphanet 633021, MedGen C5436756, MONDO:0033664, OMIM 619080.
SLC12A2-related disorder. Also called: SLC12A2-related disorders; SLC12A2-related condition.

Submissions (3):

PreventionGenetics, part of Exact Sciences
Classification: Uncertain significance for SLC12A2-related condition. Last evaluated: 2026-07-08. Review status: criteria provided, single submitter. Criteria: ACMG Guidelines, 2015. Collection method: clinical testing. Allele origin: germline.
Comment: The SLC12A2 c.297_308dup12 variant is predicted to result in an in-frame duplication (p.Ala104_Ala107dup). To our knowledge, this variant has not been reported in the literature or in a large population database (gnomAD), indicating this variant is rare. At this time, the clinical significance of this variant is uncertain due to the absence of conclusive functional and genetic evidence.

Labcorp Genetics (formerly Invitae), Labcorp
Classification: Uncertain significance. Last evaluated: 2025-09-10. Review status: criteria provided, single submitter. Criteria: Invitae Variant Classification Sherloc (09022015). Collection method: clinical testing. Allele origin: germline.
Comment: This variant, c.297_308dup, results in the insertion of 4 amino acid(s) of the SLC12A2 protein (p.Ala104_Ala107dup), but otherwise preserves the integrity of the reading frame. This variant is not present in population databases (gnomAD no frequency). This variant has not been reported in the literature in individuals affected with SLC12A2-related conditions. In summary, the available evidence is currently insufficient to determine the role of this variant in disease. Therefore, it has been classified as a Variant of Uncertain Significance.

Fulgent Genetics
Classification: Uncertain significance for Kilquist syndrome; Hearing loss, autosomal dominant 78; Delpire-McNeill syndrome. Last evaluated: 2022-04-10. Review status: criteria provided, single submitter. Criteria: ACMG Guidelines, 2015. Collection method: clinical testing. Allele origin: unknown.

NM_001046.3(SLC12A2):c.288GGC[11] (p.Ala104_Ala107dup)

Genes: SLC12A2 (solute carrier family 12 member 2; plus strand), LOC129994526 (ATAC-STARR-seq lymphoblastoid silent region 16295; plus strand). Cytogenetic location: 5q23.3.
Variant type: Microsatellite.
Coding change: c.288GGC[11] on transcript NM_001046.3 (MANE Select); 11 copies in a row of the 3-base unit GGC starting at c.288; the reference has seven copies in a row; four copies, 12 bases duplicated; also written c.297_308dup.
Protein change: p.Ala104_Ala107dup.
Molecular consequence: inframe insertion. On other transcripts: non-coding transcript variant (1).
Genome position (GRCh38, 1-based): chr5:128,084,251-128,084,262, GGCGGCGGCGGC duplicated; duplicating any 12 consecutive bases within chr5:128,084,240-128,084,262 gives the same sequence; the position shown is the placement nearest the transcript's 3' end. VCF-style (leftmost placement, unchanged base first): chr5-128084239-T-TGCGGCGGCGGCG. GRCh37 (hg19) VCF-style: chr5-127419931-T-TGCGGCGGCGGCG.
Other names: c.297_308dup (NM_001046.3); c.288GGC[11], p.Ala104_Ala107dup (NM_001256461.2); c.297_308dup12 (NM_001046.2).
Identifiers: ClinVar variation 1440806 (VCV001440806.8), dbSNP rs746633185, ClinGen allele CA803609743.